The following is an entry in ClinVar:

NM_000444.6(PHEX):c.1173+2T>C

Gene: PHEX (phosphate regulating endopeptidase X-linked; plus strand). Cytogenetic location: Xp22.11.
Variant type: single nucleotide variant.
Coding change: c.1173+2T>C on transcript NM_000444.6 (MANE Select); the canonical splice donor site of the intron after coding-DNA position 1173, T replaced by C.
Molecular consequence: splice donor variant.
Genome position (GRCh38, 1-based): chrX:22,111,562, T>C. VCF-style: chrX-22111562-T-C. GRCh37 (hg19) VCF-style: chrX-22129680-T-C.
Other names: c.1173+2T>C (NM_001282754.2).
Identifiers: ClinVar variation 372631 (VCV000372631.12), dbSNP rs1057517896, ClinGen allele CA16043252.
Genomic context (GRCh38, chrX:22,111,562, plus strand): 5'-ATTCCAGAATTCCAAACCTTAGCAGGCGCTTTCAGTATAGATGGCTGGAATTCTCAAGGG[T>C]AAGTTTAAGAAGATTGCAGTGTTACATCGCTGGATAACTTTACATGCTGGAATAGTCCAT-3'

ClinVar aggregate classification (germline): Pathogenic. Review status: criteria provided, multiple submitters, no conflicts (2 of 4 stars). 2 submissions from 2 submitters: Pathogenic (2). Last evaluated 2024-04-20.

Submissions (2):

Labcorp Genetics (formerly Invitae), Labcorp
Classification: Pathogenic. Last evaluated: 2024-04-20. Review status: criteria provided, single submitter. Criteria: Invitae Variant Classification Sherloc (09022015). Collection method: clinical testing. Allele origin: germline.
Comment: This sequence change affects a donor splice site in intron 10 of the PHEX gene. It is expected to disrupt RNA splicing. Variants that disrupt the donor or acceptor splice site typically lead to a loss of protein function (PMID: 16199547), and loss-of-function variants in PHEX are known to be pathogenic (PMID: 9097956, 9106524, 19219621). This variant is not present in population databases (gnomAD no frequency). Disruption of this splice site has been observed in individuals with clinical features of hypophosphatemic rickets (Invitae). ClinVar contains an entry for this variant (Variation ID: 372631). Algorithms developed to predict the effect of sequence changes on RNA splicing suggest that this variant may disrupt the consensus splice site. For these reasons, this variant has been classified as Pathogenic.

GeneDx
Classification: Pathogenic. Last evaluated: 2016-10-20. Review status: criteria provided, single submitter. Criteria: GeneDx Variant Classification (06012015). Collection method: clinical testing. Allele origin: germline. Affected: yes.
Comment: The c.1173+2 T>C splice site variant in the PHEX gene destroys the canonical splice donor site in intron 10. It is predicted to cause abnormal gene splicing, either leading to an abnormal message that is subject to nonsense-mediated mRNA decay, or to an abnormal protein product if the message is used for protein translation. The variant was not observed in approximately 6,500 individuals of European and African American ancestry in the NHLBI Exome Sequencing Project, indicating it is not a common benign variant in these populations.

Literature cited by the submitters: PubMed 16199547 (cited by Labcorp Genetics (formerly Invitae), Labcorp); PubMed 9097956 (cited by Labcorp Genetics (formerly Invitae), Labcorp); PubMed 9106524 (cited by Labcorp Genetics (formerly Invitae), Labcorp); PubMed 19219621 (cited by Labcorp Genetics (formerly Invitae), Labcorp).